The following is an entry in ClinVar:

NM_199420.4(POLQ):c.5131A>C (p.Asn1711His)

Gene: POLQ (DNA polymerase theta; minus strand). Cytogenetic location: 3q13.33.
Variant type: single nucleotide variant.
Coding change: c.5131A>C on transcript NM_199420.4 (MANE Select); coding-DNA position 5131, A replaced by C.
Protein change: p.Asn1711His; replaces asparagine 1711 with histidine.
Molecular consequence: missense variant.
Genome position (GRCh38, 1-based): chr3:121,487,800, T>G on the plus strand (A>C on the coding strand, the complement: POLQ is on the minus strand). VCF-style: chr3-121487800-T-G. GRCh37 (hg19) VCF-style: chr3-121206647-T-G.
Other names: short protein forms N1711H.
Identifiers: ClinVar variation 1745549 (VCV001745549.2), dbSNP rs2546785092, ClinGen allele CA354091822.

ClinVar aggregate classification (germline): Uncertain significance (1 of 4 stars; one submission).

Submission:

Ambry Genetics
Classification: Uncertain significance. Last evaluated: 2022-10-15. Review status: criteria provided, single submitter. Criteria: Ambry Variant Classification Scheme 2023. Collection method: clinical testing. Allele origin: germline.
Comment: The p.N1711H variant (also known as c.5131A>C), located in coding exon 16 of the POLQ gene, results from an A to C substitution at nucleotide position 5131. The asparagine at codon 1711 is replaced by histidine, an amino acid with similar properties. This amino acid position is conserved. In addition, this alteration is predicted to be tolerated by in silico analysis. Since supporting evidence is limited at this time, the clinical significance of this alteration remains unclear.